The following is an entry in ClinVar:

ClinVar aggregate classification (germline): Uncertain significance (1 of 4 stars; one submission).

Conditions:
Familial cold autoinflammatory syndrome 3 (FCAS3). Also called: ANTIBODY DEFICIENCY AND IMMUNE DYSREGULATION, PLCG2-ASSOCIATED; FAMILIAL ATYPICAL COLD URTICARIA. Identifiers: Orphanet 300359, MedGen C3280914, MONDO:0013766, OMIM 614468.

gnomAD v4.1: 2 of 1,613,506 alleles (0.00012%); highest among the groups gnomAD compares: African/African-American, 0.0027%; no homozygotes.

Submission:

Labcorp Genetics (formerly Invitae), Labcorp
Classification: Uncertain significance for Familial cold autoinflammatory syndrome 3. Last evaluated: 2025-03-30. Review status: criteria provided, single submitter. Criteria: Invitae Variant Classification Sherloc (09022015). Collection method: clinical testing. Allele origin: germline.
Comment: This sequence change replaces serine, which is neutral and polar, with asparagine, which is neutral and polar, at codon 179 of the PLCG2 protein (p.Ser179Asn). This variant is present in population databases (no rsID available, gnomAD 0.01%). This variant has not been reported in the literature in individuals affected with PLCG2-related conditions. An algorithm developed to predict the effect of missense changes on protein structure and function (PolyPhen-2) suggests that this variant is likely to be tolerated. In summary, the available evidence is currently insufficient to determine the role of this variant in disease. Therefore, it has been classified as a Variant of Uncertain Significance.

NM_002661.5(PLCG2):c.536G>A (p.Ser179Asn)

Gene: PLCG2 (phospholipase C gamma 2; plus strand). Cytogenetic location: 16q23.3.
Variant type: single nucleotide variant.
Coding change: c.536G>A on transcript NM_002661.5 (MANE Select); coding-DNA position 536, G replaced by A.
Protein change: p.Ser179Asn; replaces serine 179 with asparagine.
Molecular consequence: missense variant.
Genome position (GRCh38, 1-based): chr16:81,869,270, G>A. VCF-style: chr16-81869270-G-A. GRCh37 (hg19) VCF-style: chr16-81902875-G-A.
Other names: c.536G>A, p.Ser179Asn (NM_001425749.1, NM_001425750.1, NM_001425751.1); short protein forms S179N.
Identifiers: ClinVar variation 4805822 (VCV004805822.1).